The following is an entry in ClinVar:

ClinVar aggregate classification (germline): Benign (3 of 4 stars; one submission).

Conditions:
Breast-ovarian cancer, familial, susceptibility to, 2 (BROVCA2). Also called: BRCA2 Hereditary Breast and Ovarian Cancer. Identifiers: Orphanet 145, MedGen C2675520, MONDO:0012933, OMIM 612555. Disease mechanism: loss of function.

Allele frequency attached by ClinVar (database versions not stated): gnomAD 0.00193 and 0.00205; TOPMed 0.00210; 1000 Genomes Project 0.00300; 1000 Genomes Project 30x 0.00312.
gnomAD v4.1: 291 of 152,092 alleles (0.19%); highest among the groups gnomAD compares: African/African-American, 0.65%; no homozygotes.

Submission:

Evidence-based Network for the Interpretation of Germline Mutant Alleles (ENIGMA)
Classification: Benign for Breast-ovarian cancer, familial, susceptibility to, 2. Last evaluated: 2016-09-28. Review status: reviewed by expert panel. Criteria: ENIGMA BRCA1/2 Classification Criteria (2015). Collection method: curation. Allele origin: germline.
Comment: Class 1 not pathogenic based on frequency >1% in an outbred sampleset. Frequency 0.0106 (African), derived from 1000 genomes (2013-05-02).

NM_000059.4(BRCA2):c.317-1775C>T

Gene: BRCA2 (BRCA2 DNA repair associated; plus strand). Cytogenetic location: 13q13.1.
Variant type: single nucleotide variant.
Coding change: c.317-1775C>T on transcript NM_000059.4 (MANE Select); 1775 bases into the intron before coding-DNA position 317, C replaced by T.
Molecular consequence: intron variant.
Genome position (GRCh38, 1-based): chr13:32,323,301, C>T. VCF-style: chr13-32323301-C-T. GRCh37 (hg19) VCF-style: chr13-32897438-C-T.
Identifiers: ClinVar variation 264866 (VCV000264866.1), dbSNP rs563809655, ClinGen allele CA10588071.